The following is an entry in ClinVar:

ClinVar aggregate classification (germline): Uncertain significance (1 of 4 stars; one submission).

Allele frequency attached by ClinVar (database versions not stated): gnomAD 0.00001; TOPMed 0.00006.
gnomAD v4.1: 14 of 1,596,898 alleles (0.00088%); highest among the groups gnomAD compares: Admixed American, 0.019%; no homozygotes.

Submission:

Ambry Genetics
Classification: Uncertain significance. Last evaluated: 2024-01-04. Review status: criteria provided, single submitter. Criteria: Ambry Variant Classification Scheme 2023. Collection method: clinical testing. Allele origin: germline.
Comment: The c.991C>G (p.P331A) alteration is located in exon (coding exon ) of the SH3RF3 gene. This alteration results from a C to G substitution at nucleotide position 991, causing the proline (P) at amino acid position 331 to be replaced by an alanine (A). Based on insufficient or conflicting evidence, the clinical significance of this alteration remains unclear.

NM_001099289.3(SH3RF3):c.991C>G (p.Pro331Ala)

Genes: RANBP2 (RAN binding protein 2; plus strand), SH3RF3 (SH3 domain containing ring finger 3; plus strand). Cytogenetic location: 2q13.
Variant type: single nucleotide variant.
Coding change: c.991C>G on transcript NM_001099289.3 (MANE Select); coding-DNA position 991, C replaced by G.
Protein change: p.Pro331Ala; replaces proline 331 with alanine.
Molecular consequence: missense variant.
Genome position (GRCh38, 1-based): chr2:109,398,635, C>G. VCF-style: chr2-109398635-C-G. GRCh37 (hg19) VCF-style: chr2-110015091-C-G.
Other names: short protein forms P331A.
Identifiers: ClinVar variation 3161428 (VCV003161428.1), dbSNP rs990750662, ClinGen allele CA53480605.